The following is an entry in ClinVar:

NM_001365951.3(KIF1B):c.958+1G>T

Gene: KIF1B (kinesin family member 1B; plus strand). Cytogenetic location: 1p36.22.
Variant type: single nucleotide variant.
Coding change: c.958+1G>T on transcript NM_001365951.3 (MANE Select); the canonical splice donor site of the intron after coding-DNA position 958, G replaced by T.
Molecular consequence: splice donor variant.
Genome position (GRCh38, 1-based): chr1:10,275,504, G>T. VCF-style: chr1-10275504-G-T. GRCh37 (hg19) VCF-style: chr1-10335562-G-T.
Other names: c.940+1G>T (NM_183416.4, NM_015074.3, NM_001365953.1); c.958+1G>T (NM_001365952.1).
Identifiers: ClinVar variation 2625704 (VCV002625704.2), dbSNP rs2521149371, ClinGen allele CA338332672.
Genomic context (GRCh38, chr1:10,275,504, plus strand): 5'-AAACAGATTTTATTCCCTACAGGGATTCTGTACTTACTTGGCTCCTTCGAGAAAATTTAG[G>T]TATGTTGACCACTAGTGAAAAGTAGTTATCTTTTTAACTTTGATTATCTTTTGTGGTTAA-3'

ClinVar aggregate classification (germline): Uncertain significance (1 of 4 stars; one submission).

gnomAD v4.1: 2 of 1,519,000 alleles (0.00013%); highest among the groups gnomAD compares: Non-Finnish European, 0.00018%; no homozygotes.

Submission:

Ambry Genetics
Classification: Uncertain significance. Last evaluated: 2023-07-21. Review status: criteria provided, single submitter. Criteria: Ambry Variant Classification Scheme 2023. Collection method: clinical testing. Allele origin: germline.
Comment: The c.940+1G>T intronic variant results from a G to T substitution one nucleotide after coding exon 9 of the KIF1B gene. This nucleotide position is highly conserved in available vertebrate species. In silico splice site analysis predicts that this alteration will weaken the native splice donor site. The evidence for this gene-disease relationship is limited; therefore, the clinical significance of this alteration is unclear.